The following is an entry in ClinVar:

NM_001035.3(RYR2):c.10855C>T (p.Leu3619Phe)

Gene: RYR2 (ryanodine receptor 2; plus strand). Cytogenetic location: 1q43.
Variant type: single nucleotide variant.
Coding change: c.10855C>T on transcript NM_001035.3 (MANE Select); coding-DNA position 10855, C replaced by T.
Protein change: p.Leu3619Phe; replaces leucine 3619 with phenylalanine.
Molecular consequence: missense variant.
Genome position (GRCh38, 1-based): chr1:237,730,276, C>T. VCF-style: chr1-237730276-C-T. GRCh37 (hg19) VCF-style: chr1-237893576-C-T.
Other names: short protein forms L3619F.
Identifiers: ClinVar variation 4158438 (VCV004158438.1).
Genomic context (GRCh38, chr1:237,730,276, plus strand): 5'-TATTTTCTAAACACCCTTTTTCTGAAATTGTGCTTACCTTTCAGGCATCGGGCTGTCAAT[C>T]TCTTTCTTCAGGGATATGAAAAGTCTTGGATTGAAACAGAAGAACATTACTTTGAAGATA-3'
Protein context (NP_001026.2, residues 3609-3629): YNLPRHRAVN[Leu3619Phe]FLQGYEKSWI

ClinVar aggregate classification (germline): Uncertain significance (1 of 4 stars; one submission).

Conditions:
Cardiovascular phenotype. Identifiers: MedGen CN230736.

Submission:

Ambry Genetics
Classification: Uncertain significance for Cardiovascular phenotype. Last evaluated: 2025-07-29. Review status: criteria provided, single submitter. Criteria: Ambry Variant Classification Scheme 2023. Collection method: clinical testing. Allele origin: germline.
Comment: The p.L3619F variant (also known as c.10855C>T), located in coding exon 77 of the RYR2 gene, results from a C to T substitution at nucleotide position 10855. The leucine at codon 3619 is replaced by phenylalanine, an amino acid with highly similar properties. This amino acid position is highly conserved in available vertebrate species. In addition, the in silico prediction for this alteration is inconclusive. Based on the available evidence, the clinical significance of this variant remains unclear.